The following is an entry in ClinVar:

ClinVar aggregate classification (germline): Uncertain significance. Review status: criteria provided, multiple submitters, no conflicts (2 of 4 stars). 2 submissions from 2 submitters: Uncertain significance (2). Last evaluated 2022-11-08.

Conditions:
Duchenne muscular dystrophy (DMD). Also called: MUSCULAR DYSTROPHY, PSEUDOHYPERTROPHIC PROGRESSIVE, DUCHENNE TYPE; Duchenne Muscular Dystrophy (DMD). Identifiers: Orphanet 98896, MedGen C0013264, MONDO:0010679, OMIM 310200.

Submissions (2):

Labcorp Genetics (formerly Invitae), Labcorp
Classification: Uncertain significance for Duchenne muscular dystrophy. Last evaluated: 2022-11-08. Review status: criteria provided, single submitter. Criteria: Invitae Variant Classification Sherloc (09022015). Collection method: clinical testing. Allele origin: germline.
Comment: In summary, the available evidence is currently insufficient to determine the role of this variant in disease. Therefore, it has been classified as a Variant of Uncertain Significance. Variants that disrupt the consensus splice site are a relatively common cause of aberrant splicing (PMID: 17576681, 9536098). Algorithms developed to predict the effect of sequence changes on RNA splicing suggest that this variant may disrupt the consensus splice site. Algorithms developed to predict the effect of missense changes on protein structure and function are either unavailable or do not agree on the potential impact of this missense change (SIFT: "Deleterious"; PolyPhen-2: "Benign"; Align-GVGD: "Class C65"). ClinVar contains an entry for this variant (Variation ID: 994873). This variant has not been reported in the literature in individuals affected with DMD-related conditions. This variant is not present in population databases (gnomAD no frequency). This sequence change replaces arginine, which is basic and polar, with threonine, which is neutral and polar, at codon 3325 of the DMD protein (p.Arg3325Thr). This variant also falls at the last nucleotide of exon 68, which is part of the consensus splice site for this exon.

Athena Diagnostics
Classification: Uncertain significance. Last evaluated: 2020-06-10. Review status: criteria provided, single submitter. Criteria: Athena Diagnostics Criteria. Collection method: clinical testing. Allele origin: unknown.

Literature cited by the submitters: PubMed 17576681 (cited by Labcorp Genetics (formerly Invitae), Labcorp); PubMed 9536098 (cited by Labcorp Genetics (formerly Invitae), Labcorp).

NM_004006.3(DMD):c.9974G>C (p.Arg3325Thr)

Gene: DMD (dystrophin; minus strand). Cytogenetic location: Xp21.2.
Variant type: single nucleotide variant.
Coding change: c.9974G>C on transcript NM_004006.3 (MANE Select); coding-DNA position 9974, G replaced by C.
Protein change: p.Arg3325Thr; replaces arginine 3325 with threonine.
Molecular consequence: missense variant.
Genome position (GRCh38, 1-based): chrX:31,182,738, C>G on the plus strand (G>C on the coding strand, the complement: DMD is on the minus strand). VCF-style: chrX-31182738-C-G. GRCh37 (hg19) VCF-style: chrX-31200855-C-G.
Other names: c.9950G>C, p.Arg3317Thr (NM_000109.4); c.9962G>C, p.Arg3321Thr (NM_004009.3); c.9605G>C, p.Arg3202Thr (NM_004010.3); c.5951G>C, p.Arg1984Thr (NM_004011.4); c.5942G>C, p.Arg1981Thr (NM_004012.4); c.2594G>C, p.Arg865Thr (NM_004013.3, NM_004020.4, NM_004021.3 and 2 more transcripts); c.1787G>C, p.Arg596Thr (NM_004014.3); c.770G>C, p.Arg257Thr (NM_004015.3, NM_004016.3, NM_004017.3 and 2 more transcripts); short protein forms R1981T, R1984T, R257T, R3202T, R3317T, R3321T, R3325T, R596T.
Identifiers: ClinVar variation 994873 (VCV000994873.10), dbSNP rs398124109, ClinGen allele CA412653261.